The following is an entry in ClinVar:

NM_014251.3(SLC25A13):c.931C>T (p.Gln311Ter)

Gene: SLC25A13 (solute carrier family 25 member 13; minus strand). Cytogenetic location: 7q21.3.
Variant type: single nucleotide variant.
Coding change: c.931C>T on transcript NM_014251.3 (MANE Select); coding-DNA position 931, C replaced by T.
Protein change: p.Gln311Ter; replaces glutamine 311 with a stop codon.
Molecular consequence: nonsense. On other transcripts: non-coding transcript variant (1).
Genome position (GRCh38, 1-based): chr7:96,189,296, G>A on the plus strand (C>T on the coding strand, the complement: SLC25A13 is on the minus strand). VCF-style: chr7-96189296-G-A. GRCh37 (hg19) VCF-style: chr7-95818608-G-A.
Other names: c.931C>T, p.Gln311Ter (NM_001160210.2); c.931C>T (NM_014251.2); short protein forms Q311*.
Identifiers: ClinVar variation 3594961 (VCV003594961.2).

ClinVar aggregate classification (germline): Likely pathogenic. Review status: criteria provided, multiple submitters, no conflicts (2 of 4 stars). 2 submissions from 2 submitters: Likely pathogenic (2). Last evaluated 2025-01-14.

Conditions:
Neonatal intrahepatic cholestasis due to citrin deficiency (CDNI). Also called: Neonatal-onset citrullinemia type II; Neonatal-onset citrullinemia type 2; CITRIN DEFICIENCY, NEONATAL OR INFANTILE ONSET; Neonatal Intrahepatic Cholestasis Caused by Citrin Deficiency (NICCD). Identifiers: Orphanet 247598, MedGen C1853942, MONDO:0011601, OMIM 605814.
Citrullinemia, type II, adult-onset (CDAA). Also called: CITRIN DEFICIENCY, ADOLESCENT OR ADULT ONSET. Identifiers: Orphanet 247585, MedGen CN295299, MONDO:0011326, OMIM 603471.
Citrullinemia. Identifiers: Orphanet 187, MedGen C0175683, MONDO:0015991.

Submissions (2):

Natera, Inc.
Classification: Likely pathogenic for Citrullinemia. Last evaluated: 2025-01-14. Review status: criteria provided, single submitter. Criteria: Natera Variant Classification Schema (03/2026). Collection method: clinical testing. Allele origin: germline.
Comment: The c.931C>T variant in SLC25A13 is a nonsense variant predicted to introduce a stop codon at amino acid 311. This variant is expected to result in nonsense mediated decay, truncation, or a dysfunctional protein product. This variant is rare in the general population with a frequency below the threshold expected for the associated phenotype(s). Given the available evidence, this variant is classified as Likely Pathogenic.

Fulgent Genetics
Classification: Likely pathogenic for Citrullinemia, type II, adult-onset; Neonatal intrahepatic cholestasis due to citrin deficiency. Last evaluated: 2024-03-19. Review status: criteria provided, single submitter. Criteria: ACMG Guidelines, 2015. Collection method: clinical testing. Allele origin: germline.